The following is an entry in ClinVar:

ClinVar aggregate classification (germline): Uncertain significance. Review status: criteria provided, multiple submitters, no conflicts (2 of 4 stars). 3 submissions from 3 submitters: Uncertain significance (3). Last evaluated 2025-12-07.

Conditions:
PKD1-related disorder. Also called: PKD1-related condition.
Inborn genetic diseases. Identifiers: MedGen C0950123, MeSH D030342.
Polycystic kidney disease, adult type (PKD1). Also called: Polycystic Kidney Disease 1, Autosomal Dominant; Polycystic kidney disease 1; Polycystic kidney disease 1, severe; Polycystic Kidney, Autosomal Dominant; POLYCYSTIC KIDNEY DISEASE, ADULT, TYPE I; POLYCYSTIC KIDNEY DISEASE 1 WITH OR WITHOUT POLYCYSTIC LIVER DISEASE. Identifiers: MedGen C3149841, MONDO:0008263, OMIM 173900.

Submissions (3):

PreventionGenetics, part of Exact Sciences
Classification: Uncertain significance for PKD1-related condition. Last evaluated: 2025-12-07. Review status: criteria provided, single submitter. Criteria: ACMG Guidelines, 2015. Collection method: clinical testing. Allele origin: germline.
Comment: The PKD1 c.8634C>G variant is predicted to result in the amino acid substitution p.Asn2878Lys. To our knowledge, this variant has not been reported in the literature. This variant is reported in 0.018% of alleles in individuals of African descent in gnomAD. Although we suspect that this variant may be benign, at this time, the clinical significance of this variant is uncertain due to the absence of conclusive functional and genetic evidence.

Ambry Genetics
Classification: Uncertain significance for Inborn genetic diseases. Last evaluated: 2025-06-06. Review status: criteria provided, single submitter. Criteria: Ambry Variant Classification Scheme 2023. Collection method: clinical testing. Allele origin: germline.

Fulgent Genetics
Classification: Uncertain significance for Polycystic kidney disease, adult type. Last evaluated: 2024-04-27. Review status: criteria provided, single submitter. Criteria: ACMG Guidelines, 2015. Collection method: clinical testing. Allele origin: germline.

NM_001009944.3(PKD1):c.8634C>G (p.Asn2878Lys)

Gene: PKD1 (polycystin 1, transient receptor potential channel interacting; minus strand). Cytogenetic location: 16p13.3.
Variant type: single nucleotide variant.
Coding change: c.8634C>G on transcript NM_001009944.3 (MANE Select); coding-DNA position 8634, C replaced by G.
Protein change: p.Asn2878Lys; replaces asparagine 2878 with lysine.
Molecular consequence: missense variant.
Genome position (GRCh38, 1-based): chr16:2,103,423, G>C on the plus strand (C>G on the coding strand, the complement: PKD1 is on the minus strand). VCF-style: chr16-2103423-G-C. GRCh37 (hg19) VCF-style: chr16-2153424-G-C.
Other names: c.8634C>G, p.Asn2878Lys (NM_000296.4); c.8634C>G (NM_000296.3); short protein forms N2878K.
Identifiers: ClinVar variation 3579161 (VCV003579161.3).